The following is an entry in ClinVar:

ClinVar aggregate classification (germline): Uncertain significance (1 of 4 stars; one submission).

Conditions:
Early-infantile DEE. Also called: Early infantile epileptic encephalopathy; Early infantile epileptic encephalopathy with suppression bursts; Ohtahara syndrome. Identifiers: Orphanet 1934, MedGen C0393706, MONDO:0800491.

Submission:

Labcorp Genetics (formerly Invitae), Labcorp
Classification: Uncertain significance for Early-infantile DEE. Last evaluated: 2022-11-29. Review status: criteria provided, single submitter. Criteria: Invitae Variant Classification Sherloc (09022015). Collection method: clinical testing. Allele origin: germline.
Comment: In summary, the available evidence is currently insufficient to determine the role of this variant in disease. Therefore, it has been classified as a Variant of Uncertain Significance. Advanced modeling of protein sequence and biophysical properties (such as structural, functional, and spatial information, amino acid conservation, physicochemical variation, residue mobility, and thermodynamic stability) performed at Invitae indicates that this missense variant is expected to disrupt SCN8A protein function. This missense change has been observed in individual(s) with SCN1A-related conditions (Invitae). This variant is not present in population databases (gnomAD no frequency). This sequence change replaces alanine, which is neutral and non-polar, with aspartic acid, which is acidic and polar, at codon 1772 of the SCN8A protein (p.Ala1772Asp).

NM_001330260.2(SCN8A):c.5315C>A (p.Ala1772Asp)

Gene: SCN8A (sodium voltage-gated channel alpha subunit 8; plus strand). Cytogenetic location: 12q13.13.
Variant type: single nucleotide variant.
Coding change: c.5315C>A on transcript NM_001330260.2 (MANE Select); coding-DNA position 5315, C replaced by A.
Protein change: p.Ala1772Asp; replaces alanine 1772 with aspartic acid.
Molecular consequence: missense variant.
Genome position (GRCh38, 1-based): chr12:51,806,801, C>A. VCF-style: chr12-51806801-C-A. GRCh37 (hg19) VCF-style: chr12-52200585-C-A.
Other names: c.5192C>A, p.Ala1731Asp (NM_001177984.3, NM_001369788.1); c.5315C>A, p.Ala1772Asp (NM_014191.4); short protein forms A1731D, A1772D.
Identifiers: ClinVar variation 2817546 (VCV002817546.3), dbSNP rs2540334746, ClinGen allele CA384885279.
Genomic context (GRCh38, chr12:51,806,801, plus strand): 5'-TCTCTTTCCTAATTGTCGTGAACATGTACATTGCCATCATCCTGGAGAACTTCAGTGTAG[C>A]CACAGAGGAAAGTGCAGACCCTCTGAGTGAGGATGACTTTGAGACCTTCTATGAGATCTG-3'
Protein context (NP_001317189.1, residues 1762-1782): IAIILENFSV[Ala1772Asp]TEESADPLSE